The following is an entry in ClinVar:

NM_173483.4(CYP4F22):c.62_64dup (p.Ile21_Tyr22insLeu)

Gene: CYP4F22 (cytochrome P450 family 4 subfamily F member 22; plus strand). Cytogenetic location: 19p13.12.
Variant type: Duplication.
Coding change: c.62_64dup on transcript NM_173483.4 (MANE Select); coding-DNA positions 62 to 64, 3 bases duplicated (TAT; older notation c.62_64dupTAT).
Protein change: p.Ile21_Tyr22insLeu.
Molecular consequence: inframe insertion.
Genome position (GRCh38, 1-based): chr19:15,525,398-15,525,400, TAT duplicated. VCF-style (leftmost placement, unchanged base first): chr19-15525397-A-ATAT. GRCh37 (hg19) VCF-style: chr19-15636208-A-ATAT.
Identifiers: ClinVar variation 2118196 (VCV002118196.4), dbSNP rs2513140650, ClinGen allele CA2580096667.

ClinVar aggregate classification (germline): Uncertain significance (1 of 4 stars; one submission).

Allele frequency attached by ClinVar (database versions not stated): gnomAD exomes below 0.00001.

Submission:

Labcorp Genetics (formerly Invitae), Labcorp
Classification: Uncertain significance. Last evaluated: 2022-07-27. Review status: criteria provided, single submitter. Criteria: Invitae Variant Classification Sherloc (09022015). Collection method: clinical testing. Allele origin: germline.
Comment: This variant, c.62_64dup, results in the insertion of 1 amino acid(s) of the CYP4F22 protein (p.Ile21_Tyr22insLeu), but otherwise preserves the integrity of the reading frame. This variant is not present in population databases (gnomAD no frequency). This variant has not been reported in the literature in individuals affected with CYP4F22-related conditions. Experimental studies and prediction algorithms are not available or were not evaluated, and the functional significance of this variant is currently unknown. In summary, the available evidence is currently insufficient to determine the role of this variant in disease. Therefore, it has been classified as a Variant of Uncertain Significance.